The following is an entry in ClinVar:

ClinVar aggregate classification (germline): Pathogenic. Review status: criteria provided, single submitter (1 of 4 stars). 3 submissions from 3 submitters: Pathogenic (1). 2 of the submissions do not count toward it. Last evaluated 2022-12-16.

Conditions:
Spinocerebellar ataxia type 14 (SCA14). Identifiers: Orphanet 98763, MedGen C1854369, MONDO:0011540, OMIM 605361.

Submissions (3):

Institute of Medical Genetics and Applied Genomics, University Hospital Tübingen
Classification: Pathogenic for Spinocerebellar ataxia type 14. Last evaluated: 2022-12-16. Review status: criteria provided, single submitter. Criteria: ACMG Guidelines, 2015. Collection method: clinical testing. Allele origin: germline. Inheritance: Autosomal dominant inheritance. Affected: yes.

GeneReviews
Classification: Pathogenic for Spinocerebellar Ataxia Type14. Last evaluated: 2013-04-18. Review status: no assertion criteria provided. Collection method: curation. Allele origin: unknown. Not counted in ClinVar's aggregate classification.
ClinVar note: Converted during submission from pathologic to Pathogenic.

OMIM
Classification: Pathogenic for SPINOCEREBELLAR ATAXIA 14. Last evaluated: 2003-04-01. Review status: no assertion criteria provided. Collection method: literature only. Allele origin: germline. Not counted in ClinVar's aggregate classification.

Literature cited by the submitters: PubMed 12644968 (cited by OMIM).

NM_002739.5(PRKCG):c.355T>C (p.Ser119Pro)

Gene: PRKCG (protein kinase C gamma; plus strand). Cytogenetic location: 19q13.42.
Variant type: single nucleotide variant.
Coding change: c.355T>C on transcript NM_002739.5 (MANE Select); coding-DNA position 355, T replaced by C.
Protein change: p.Ser119Pro; replaces serine 119 with proline.
Molecular consequence: missense variant.
Genome position (GRCh38, 1-based): chr19:53,889,707, T>C. VCF-style: chr19-53889707-T-C. GRCh37 (hg19) VCF-style: chr19-54392961-T-C.
Other names: c.355t>c; c.355T>C, p.Ser119Pro (LRG_669t1, NM_001316329.2); short protein forms S119P.
Identifiers: ClinVar variation 13245 (VCV000013245.4), dbSNP rs121918512, ClinGen allele CA341259.